The following is an entry in ClinVar:

NM_004006.3(DMD):c.3988C>T (p.Leu1330=)

Gene: DMD (dystrophin; minus strand). Cytogenetic location: Xp21.1.
Variant type: single nucleotide variant.
Coding change: c.3988C>T on transcript NM_004006.3 (MANE Select); coding-DNA position 3988, C replaced by T.
Protein change: p.Leu1330=; no amino-acid change (leucine 1330 retained).
Molecular consequence: synonymous variant.
Genome position (GRCh38, 1-based): chrX:32,438,324, G>A on the plus strand (C>T on the coding strand, the complement: DMD is on the minus strand). VCF-style: chrX-32438324-G-A. GRCh37 (hg19) VCF-style: chrX-32456441-G-A.
Other names: p.Leu1330=; c.3964C>T, p.Leu1322= (NM_000109.4); c.3976C>T, p.Leu1326= (NM_004009.3); c.3619C>T, p.Leu1207= (NM_004010.3).
Identifiers: ClinVar variation 526135 (VCV000526135.11), dbSNP rs1557357523, ClinGen allele CA515721960.
Genomic context (GRCh38, chrX:32,438,324, plus strand): 5'-GAGAATTAAATGTCTCAAGTTCCTCATTGATTAGCTCATCCATGACTCCGCCATCTGTTA[G>A]GGTCTGTGCCAATATGCGAATCTGATTTGGGTTATCCTCTGAATGTCGCATCAAATTTTC-3'
Protein context (NP_003997.2, residues 1320-1340): PNQIRILAQT[Leu1330=]TDGGVMDELI

ClinVar aggregate classification (germline): Likely benign. Review status: criteria provided, multiple submitters, no conflicts (2 of 4 stars). 3 submissions from 3 submitters: Likely benign (2). 1 of the submissions does not count toward it. Last evaluated 2025-06-26.

Conditions:
Dystrophin deficiency.
Cardiomyopathy (CMYO). Also called: Cardiomyopathies. Identifiers: Orphanet 167848, MedGen C0878544, MONDO:0004994, HP:0001638. Inheritance: Various modes of inheritance.
Becker muscular dystrophy (BMD). Also called: Becker Muscular Dystrophy (BMD); MUSCULAR DYSTROPHY, PSEUDOHYPERTROPHIC PROGRESSIVE, BECKER TYPE. Identifiers: Orphanet 98895, MedGen C0917713, MONDO:0010311, OMIM 300376.
Duchenne muscular dystrophy (DMD). Also called: Duchenne Muscular Dystrophy (DMD); MUSCULAR DYSTROPHY, PSEUDOHYPERTROPHIC PROGRESSIVE, DUCHENNE TYPE. Identifiers: Orphanet 98896, MedGen C0013264, MONDO:0010679, OMIM 310200.

Submissions (3):

Mayo Clinic Laboratories, Mayo Clinic
Classification: Likely benign. Last evaluated: 2025-06-26. Review status: criteria provided, single submitter. Criteria: ACMG Guidelines, 2015. Collection method: clinical testing. Allele origin: germline. Observed: 1 variant allele.
Comment: BP4, BP7

Labcorp Genetics (formerly Invitae), Labcorp
Classification: Likely benign for Duchenne muscular dystrophy. Last evaluated: 2024-08-19. Review status: criteria provided, single submitter. Criteria: Invitae Variant Classification Sherloc (09022015). Collection method: clinical testing. Allele origin: germline.

Natera, Inc.
Classification: Likely benign for Becker muscular dystrophy; Cardiomyopathy; Duchenne muscular dystrophy; Dystrophin deficiency. Last evaluated: 2018-10-02. Review status: no assertion criteria provided. Collection method: clinical testing. Allele origin: germline. Not counted in ClinVar's aggregate classification.